The following is an entry in ClinVar:

ClinVar aggregate classification (germline): Pathogenic (1 of 4 stars; one submission).

Conditions:
Neurofibromatosis, type 1 (NF1). Also called: VON RECKLINGHAUSEN DISEASE; Peripheral type neurofibromatosis; Neurofibromatosis, type I; NEUROFIBROMATOSIS, TYPE I, SOMATIC. Identifiers: Orphanet 636, MedGen C0027831, MONDO:0018975, OMIM 162200. Disease mechanism: loss of function.

Submission:

Labcorp Genetics (formerly Invitae), Labcorp
Classification: Pathogenic for Neurofibromatosis, type 1. Last evaluated: 2022-12-31. Review status: criteria provided, single submitter. Criteria: Invitae Variant Classification Sherloc (09022015). Collection method: clinical testing. Allele origin: germline.
Comment: For these reasons, this variant has been classified as Pathogenic. This variant has not been reported in the literature in individuals affected with NF1-related conditions. This variant is not present in population databases (gnomAD no frequency). This sequence change creates a premature translational stop signal (p.Ser2235*) in the NF1 gene. It is expected to result in an absent or disrupted protein product. Loss-of-function variants in NF1 are known to be pathogenic (PMID: 10712197, 23913538).

Literature cited by the submitters: PubMed 10712197; PubMed 23913538.

NM_001042492.3(NF1):c.6765dup (p.Ser2256Ter)

Gene: NF1 (neurofibromin 1; plus strand). Cytogenetic location: 17q11.2.
Variant type: Duplication.
Coding change: c.6765dup on transcript NM_001042492.3 (MANE Select); coding-DNA position 6765, one base duplicated (T; older notation c.6765dupT).
Protein change: p.Ser2256Ter; replaces serine 2256 with a stop codon.
Molecular consequence: nonsense. On other transcripts: frameshift variant (1).
Genome position (GRCh38, 1-based): chr17:31,338,085, T duplicated; the last of 2 consecutive T bases (chr17:31,338,084-31,338,085); duplicating either gives the same sequence. VCF-style (leftmost placement, unchanged base first): chr17-31338083-A-AT. GRCh37 (hg19) VCF-style: chr17-29665101-A-AT.
Other names: c.6702dup, p.Ser2235Terfs (NM_000267.4); short protein forms S2235*, S2256*.
Identifiers: ClinVar variation 2825241 (VCV002825241.3), dbSNP rs2508759379, ClinGen allele CA2739267434.